The following is an entry in ClinVar:

NM_014989.7(RIMS1):c.4389A>C (p.Lys1463Asn)

Gene: RIMS1 (regulating synaptic membrane exocytosis 1; plus strand). Cytogenetic location: 6q13.
Variant type: single nucleotide variant.
Coding change: c.4389A>C on transcript NM_014989.7 (MANE Select); coding-DNA position 4389, A replaced by C.
Protein change: p.Lys1463Asn; replaces lysine 1463 with asparagine.
Molecular consequence: missense variant. On other transcripts: 5 prime UTR variant (1).
Genome position (GRCh38, 1-based): chr6:72,390,620, A>C. VCF-style: chr6-72390620-A-C. GRCh37 (hg19) VCF-style: chr6-73100322-A-C.
Other names: c.2280A>C, p.Lys760Asn (NM_001350439.2); c.1680A>C, p.Lys560Asn (NM_001350440.2); c.2277A>C, p.Lys759Asn (NM_001350441.2); c.2019A>C, p.Lys673Asn (NM_001350442.2); c.2250A>C, p.Lys750Asn (NM_001350443.2); c.2124A>C, p.Lys708Asn (NM_001350444.2); c.1917A>C, p.Lys639Asn (NM_001350445.2); c.2535A>C, p.Lys845Asn (NM_001350446.2); and 54 more; short protein forms K536N, K561N, K572N, K581N, K637N, K672N, K673N, K678N.
Identifiers: ClinVar variation 1372813 (VCV001372813.6), dbSNP rs2154437892, ClinGen allele CA364819019.

ClinVar aggregate classification (germline): Uncertain significance (1 of 4 stars; one submission).

Submission:

Labcorp Genetics (formerly Invitae), Labcorp
Classification: Uncertain significance. Last evaluated: 2022-07-19. Review status: criteria provided, single submitter. Criteria: Invitae Variant Classification Sherloc (09022015). Collection method: clinical testing. Allele origin: germline.
Comment: In summary, the available evidence is currently insufficient to determine the role of this variant in disease. Therefore, it has been classified as a Variant of Uncertain Significance. Algorithms developed to predict the effect of missense changes on protein structure and function are either unavailable or do not agree on the potential impact of this missense change (SIFT: "Deleterious"; PolyPhen-2: "Probably Damaging"; Align-GVGD: "Class C0"). ClinVar contains an entry for this variant (Variation ID: 1372813). This variant has not been reported in the literature in individuals affected with RIMS1-related conditions. This variant is not present in population databases (gnomAD no frequency). This sequence change replaces lysine, which is basic and polar, with asparagine, which is neutral and polar, at codon 1463 of the RIMS1 protein (p.Lys1463Asn).